The following is an entry in ClinVar:

NM_000760.4(CSF3R):c.2041-29G>A

Gene: CSF3R (colony stimulating factor 3 receptor; minus strand). Cytogenetic location: 1p34.3.
Variant type: single nucleotide variant.
Coding change: c.2041-29G>A on transcript NM_000760.4 (MANE Select); 29 bases into the intron before coding-DNA position 2041, G replaced by A.
Molecular consequence: intron variant. On other transcripts: missense variant (1).
Genome position (GRCh38, 1-based): chr1:36,466,856, C>T on the plus strand (G>A on the coding strand, the complement: CSF3R is on the minus strand). VCF-style: chr1-36466856-C-T. GRCh37 (hg19) VCF-style: chr1-36932457-C-T.
Other names: c.2093G>A, p.Arg698His (NM_156039.3); c.2041-29G>A (NM_172313.3); short protein forms R698H.
Identifiers: ClinVar variation 3350280 (VCV003350280.2).
Genomic context (GRCh38, chr1:36,466,856, plus strand): 5'-GGCGTGCCAAGGCCGGGCAGCTGGAAGGCATCCTGCACACAAGGATGTGGGGTGAGAGCA[C>T]GGCTCATTTCAGATGTCTGCCCCAGCCACTGTCCCTGTCTGGGTCCGGGCAGCTGTGGGG-3'

ClinVar aggregate classification (germline): Likely benign. Review status: criteria provided, single submitter (1 of 4 stars). 2 submissions from 2 submitters: Likely benign (1). 1 of the submissions does not count toward it. Last evaluated 2023-12-14.

Conditions:
CSF3R-related disorder. Also called: CSF3R-related condition.

gnomAD v4.1: 279 of 1,614,096 alleles (0.017%); highest among the groups gnomAD compares: South Asian, 0.26%; no homozygotes.

Submissions (2):

Blueprint Genetics
Classification: Likely benign. Last evaluated: 2023-12-14. Review status: criteria provided, single submitter. Criteria: ACMG Guidelines, 2015. Collection method: clinical testing. Allele origin: germline.

PreventionGenetics, part of Exact Sciences
Classification: Likely benign for CSF3R-related condition. Last evaluated: 2024-07-30. Review status: no assertion criteria provided. Collection method: clinical testing. Allele origin: germline. Not counted in ClinVar's aggregate classification.
Comment: This variant is classified as likely benign based on ACMG/AMP sequence variant interpretation guidelines (Richards et al. 2015 PMID: 25741868, with internal and published modifications).